The following is an entry in ClinVar:

NM_206937.2(LIG4):c.2066T>C (p.Ile689Thr)

Gene: LIG4 (DNA ligase 4; minus strand). Cytogenetic location: 13q33.3.
Variant type: single nucleotide variant.
Coding change: c.2066T>C on transcript NM_206937.2 (MANE Select); coding-DNA position 2066, T replaced by C.
Protein change: p.Ile689Thr; replaces isoleucine 689 with threonine.
Molecular consequence: missense variant.
Genome position (GRCh38, 1-based): chr13:108,209,203, A>G on the plus strand (T>C on the coding strand, the complement: LIG4 is on the minus strand). VCF-style: chr13-108209203-A-G. GRCh37 (hg19) VCF-style: chr13-108861551-A-G.
Other names: c.2066T>C, p.Ile689Thr (NM_001098268.2, NM_001352598.2, NM_001352599.2 and 6 more transcripts); c.1865T>C, p.Ile622Thr (NM_001330595.2); c.2102T>C, p.Ile701Thr (NM_001352604.2); short protein forms I701T, I622T, I689T.
Identifiers: ClinVar variation 4055960 (VCV004055960.1).

ClinVar aggregate classification (germline): Uncertain significance (1 of 4 stars; one submission).

gnomAD v4.1: 4 of 1,614,096 alleles (0.00025%); highest among the groups gnomAD compares: African/African-American, 0.004%; no homozygotes.

Submission:

GeneDx
Classification: Uncertain significance. Last evaluated: 2025-01-06. Review status: criteria provided, single submitter. Criteria: GeneDx Variant Classification Process June 2021. Collection method: clinical testing. Allele origin: germline. Affected: yes.
Comment: Not observed at significant frequency in large population cohorts (gnomAD); In silico analysis indicates that this missense variant does not alter protein structure/function; Has not been previously published as pathogenic or benign to our knowledge